The following is an entry in ClinVar:

ClinVar aggregate classification (germline): Likely benign (0 of 4 stars; one submission).

Conditions:
SEMA5A-related disorder. Also called: SEMA5A-related condition.

Allele frequency attached by ClinVar (database versions not stated): gnomAD 0.00014; ExAC 0.00036; 1000 Genomes Project 30x 0.00062; 1000 Genomes Project 0.00080.
gnomAD v4.1: 176 of 1,614,004 alleles (0.011%); highest among the groups gnomAD compares: East Asian, 0.25%; no homozygotes.

Submission:

PreventionGenetics, part of Exact Sciences
Classification: Likely benign for SEMA5A-related condition. Last evaluated: 2020-03-30. Review status: no assertion criteria provided. Collection method: clinical testing. Allele origin: germline.
Comment: This variant is classified as likely benign based on ACMG/AMP sequence variant interpretation guidelines (Richards et al. 2015 PMID: 25741868, with internal and published modifications).

NM_003966.3(SEMA5A):c.2595C>T (p.Thr865=)

Gene: SEMA5A (semaphorin 5A; minus strand). Cytogenetic location: 5p15.31.
Variant type: single nucleotide variant.
Coding change: c.2595C>T on transcript NM_003966.3 (MANE Select); coding-DNA position 2595, C replaced by T.
Protein change: p.Thr865=; no amino-acid change (threonine 865 retained).
Molecular consequence: synonymous variant.
Genome position (GRCh38, 1-based): chr5:9,054,181, G>A on the plus strand (C>T on the coding strand, the complement: SEMA5A is on the minus strand). VCF-style: chr5-9054181-G-A. GRCh37 (hg19) VCF-style: chr5-9054293-G-A.
Identifiers: ClinVar variation 3035314 (VCV003035314.2), dbSNP rs201560724, ClinGen allele CA3196401.
Genomic context (GRCh38, chr5:9,054,181, plus strand): 5'-TGTGTGCAGCCCCAGGCAGATGTCCCCTCCATAGGCCGGGGCTGGATTGGAGCAAGAGCG[G>A]GTCCTCATATAGTGTCCACCGCCGCATGTTGCTGAACATTTTGTCCAGGGGGACCAGCAA-3'
Protein context (NP_003957.2, residues 855-875): ATCGGGHYMR[Thr865=]RSCSNPAPAY